The following is an entry in ClinVar:

NM_000426.4(LAMA2):c.830C>G (p.Ser277Trp)

Gene: LAMA2 (laminin subunit alpha 2; plus strand). Cytogenetic location: 6q22.33.
Variant type: single nucleotide variant.
Coding change: c.830C>G on transcript NM_000426.4 (MANE Select); coding-DNA position 830, C replaced by G.
Protein change: p.Ser277Trp; replaces serine 277 with tryptophan.
Molecular consequence: missense variant.
Genome position (GRCh38, 1-based): chr6:129,146,969, C>G. VCF-style: chr6-129146969-C-G. GRCh37 (hg19) VCF-style: chr6-129468114-C-G.
Other names: c.830C>G, p.Ser277Trp (NM_001079823.2); short protein forms S277W.
Identifiers: ClinVar variation 3896894 (VCV003896894.1).

ClinVar aggregate classification (germline): Uncertain significance (1 of 4 stars; one submission).

Conditions:
Muscular dystrophy, limb-girdle, autosomal recessive 23. Identifiers: Orphanet 565837, MedGen C4748327, MONDO:0029136, OMIM 618138.

gnomAD v4.1: 1 of 1,607,706 alleles (0.000062%); highest among the groups gnomAD compares: Non-Finnish European, 0.000085%; no homozygotes.

Submission:

Kariminejad - Najmabadi Pathology & Genetics Center
Classification: Uncertain significance for Muscular dystrophy, limb-girdle, autosomal recessive 23. Last evaluated: 2019-07-15. Review status: criteria provided, single submitter. Criteria: ACMG Guidelines, 2015. Collection method: clinical testing. Allele origin: germline. Inheritance: Autosomal recessive inheritance. Affected: yes.
Comment: PM2, PM5, PP3, BP1